The following is an entry in ClinVar:

ClinVar aggregate classification (germline): Uncertain significance. Review status: criteria provided, multiple submitters, no conflicts (2 of 4 stars). 2 submissions from 2 submitters: Uncertain significance (2). Last evaluated 2025-05-22.

Allele frequency attached by ClinVar (database versions not stated): gnomAD 0.00003; TOPMed 0.00004; ESP Exome Variant Server 0.00008.
gnomAD v4.1: 8 of 1,613,990 alleles (0.0005%); highest among the groups gnomAD compares: African/African-American, 0.0027%; no homozygotes.

Submissions (2):

Mayo Clinic Laboratories, Mayo Clinic
Classification: Uncertain significance. Last evaluated: 2025-05-22. Review status: criteria provided, single submitter. Criteria: ACMG Guidelines, 2015. Collection method: clinical testing. Allele origin: germline. Observed: 1 variant allele.
Comment: PP3_moderate

CeGaT Center for Human Genetics Tuebingen
Classification: Uncertain significance. Last evaluated: 2022-11-01. Review status: criteria provided, single submitter. Criteria: CeGaT Center For Human Genetics Tuebingen Variant Classification Criteria Version 2. Collection method: clinical testing. Allele origin: germline. Affected: yes. Observed: 1 variant allele.
Comment: TENM4: PM2:Supporting, PP3

NM_001098816.3(TENM4):c.4090G>A (p.Val1364Met)

Gene: TENM4 (teneurin transmembrane protein 4; minus strand). Cytogenetic location: 11q14.1.
Variant type: single nucleotide variant.
Coding change: c.4090G>A on transcript NM_001098816.3 (MANE Select); coding-DNA position 4090, G replaced by A.
Protein change: p.Val1364Met; replaces valine 1364 with methionine.
Molecular consequence: missense variant.
Genome position (GRCh38, 1-based): chr11:78,708,480, C>T on the plus strand (G>A on the coding strand, the complement: TENM4 is on the minus strand). VCF-style: chr11-78708480-C-T. GRCh37 (hg19) VCF-style: chr11-78419525-C-T.
Other names: p.Val1364Met; short protein forms V1364M.
Identifiers: ClinVar variation 2642219 (VCV002642219.24), dbSNP rs370492629, ClinGen allele CA6206878.